The following is an entry in ClinVar:

ClinVar aggregate classification (germline): Uncertain significance. Review status: criteria provided, multiple submitters, no conflicts (2 of 4 stars). 2 submissions from 2 submitters: Uncertain significance (2). Last evaluated 2024-11-01.

Conditions:
Inborn genetic diseases. Identifiers: MedGen C0950123, MeSH D030342.

Allele frequency attached by ClinVar (database versions not stated): TOPMed 0.00003; ESP Exome Variant Server 0.00008.
gnomAD v4.1: 31 of 1,613,960 alleles (0.0019%); highest among the groups gnomAD compares: African/African-American, 0.0067%; no homozygotes.

Submissions (2):

Labcorp Genetics (formerly Invitae), Labcorp
Classification: Uncertain significance. Last evaluated: 2024-11-01. Review status: criteria provided, single submitter. Criteria: Invitae Variant Classification Sherloc (09022015). Collection method: clinical testing. Allele origin: germline.
Comment: This sequence change replaces alanine, which is neutral and non-polar, with threonine, which is neutral and polar, at codon 608 of the CAD protein (p.Ala608Thr). This variant is present in population databases (rs142041705, gnomAD 0.008%). This variant has not been reported in the literature in individuals affected with CAD-related conditions. ClinVar contains an entry for this variant (Variation ID: 1502945). An algorithm developed to predict the effect of missense changes on protein structure and function outputs the following: PolyPhen-2: "Benign". The threonine amino acid residue is found in multiple mammalian species, which suggests that this missense change does not adversely affect protein function. In summary, the available evidence is currently insufficient to determine the role of this variant in disease. Therefore, it has been classified as a Variant of Uncertain Significance.

Ambry Genetics
Classification: Uncertain significance for Inborn genetic diseases. Last evaluated: 2022-05-25. Review status: criteria provided, single submitter. Criteria: Ambry Variant Classification Scheme 2023. Collection method: clinical testing. Allele origin: germline.

NM_004341.5(CAD):c.1822G>A (p.Ala608Thr)

Gene: CAD (carbamoyl-phosphate synthetase 2, aspartate transcarbamylase, and dihydroorotase; plus strand). Cytogenetic location: 2p23.3.
Variant type: single nucleotide variant.
Coding change: c.1822G>A on transcript NM_004341.5 (MANE Select); coding-DNA position 1822, G replaced by A.
Protein change: p.Ala608Thr; replaces alanine 608 with threonine.
Molecular consequence: missense variant.
Genome position (GRCh38, 1-based): chr2:27,225,906, G>A. VCF-style: chr2-27225906-G-A. GRCh37 (hg19) VCF-style: chr2-27448774-G-A.
Other names: c.1822G>A (NM_004341.3); c.1822G>A, p.Ala608Thr (NM_001306079.2); short protein forms A608T.
Identifiers: ClinVar variation 1502945 (VCV001502945.8), dbSNP rs142041705, ClinGen allele CA1572831.